The following is an entry in ClinVar:

ClinVar aggregate classification (germline): Uncertain significance (1 of 4 stars; one submission).

Conditions:
Retinitis pigmentosa 12 (RP12). Also called: RP WITH OR WITHOUT PPRPE; RP WITH OR WITHOUT PRESERVED PARAARTERIOLE RETINAL PIGMENT EPITHELIUM; RETINITIS PIGMENTOSA WITH OR WITHOUT PARAARTERIOLAR PRESERVATION OF RETINAL PIGMENT EPITHELIUM. Identifiers: Orphanet 791, MedGen C1838647, MONDO:0010818, OMIM 600105.
Leber congenital amaurosis 8 (LCA8). Identifiers: Orphanet 65, MedGen C3151202, MONDO:0013453, OMIM 613835.

Submission:

Labcorp Genetics (formerly Invitae), Labcorp
Classification: Uncertain significance for Leber congenital amaurosis 8; Retinitis pigmentosa 12. Last evaluated: 2022-07-25. Review status: criteria provided, single submitter. Criteria: Invitae Variant Classification Sherloc (09022015). Collection method: clinical testing. Allele origin: germline.
Comment: In summary, the available evidence is currently insufficient to determine the role of this variant in disease. Therefore, it has been classified as a Variant of Uncertain Significance. Advanced modeling of protein sequence and biophysical properties (such as structural, functional, and spatial information, amino acid conservation, physicochemical variation, residue mobility, and thermodynamic stability) performed at Invitae indicates that this missense variant is not expected to disrupt CRB1 protein function. This variant has not been reported in the literature in individuals affected with CRB1-related conditions. This variant is not present in population databases (gnomAD no frequency). This sequence change replaces phenylalanine, which is neutral and non-polar, with leucine, which is neutral and non-polar, at codon 1061 of the CRB1 protein (p.Phe1061Leu).

NM_201253.3(CRB1):c.3183T>A (p.Phe1061Leu)

Gene: CRB1 (crumbs cell polarity complex component 1; plus strand). Cytogenetic location: 1q31.3.
Variant type: single nucleotide variant.
Coding change: c.3183T>A on transcript NM_201253.3 (MANE Select); coding-DNA position 3183, T replaced by A.
Protein change: p.Phe1061Leu; replaces phenylalanine 1061 with leucine.
Molecular consequence: missense variant. On other transcripts: non-coding transcript variant (2), intron variant (1).
Genome position (GRCh38, 1-based): chr1:197,435,046, T>A. VCF-style: chr1-197435046-T-A. GRCh37 (hg19) VCF-style: chr1-197404176-T-A.
Other names: c.2847T>A, p.Phe949Leu (NM_001193640.2); c.3111T>A, p.Phe1037Leu (NM_001257965.2); c.2129-554T>A (NM_001257966.2); short protein forms F1061L, F949L, F1037L.
Identifiers: ClinVar variation 2077320 (VCV002077320.4), dbSNP rs2528199464, ClinGen allele CA344046478.
Genomic context (GRCh38, chr1:197,435,046, plus strand): 5'-GACAGACCCACTGTCCCAGACCTCCAGGTGGCAAATGGAAGTGGACAACGAAACACCTTT[T>A]GTGACCAGCACAATTGCTACTGGAAGCCTCAACTTTTTGAAGGATAATACAGATATTTAT-3'
Protein context (NP_957705.1, residues 1051-1071): WQMEVDNETP[Phe1061Leu]VTSTIATGSL